The following is an entry in ClinVar:

ClinVar aggregate classification (germline): Likely benign (1 of 4 stars; one submission).

Allele frequency attached by ClinVar (database versions not stated): gnomAD exomes 0.00034 and 0.00072; ExAC 0.00084; ESP Exome Variant Server 0.00270; 1000 Genomes Project 0.00280; 1000 Genomes Project 30x 0.00297; gnomAD 0.00333 and 0.00355; TOPMed 0.00378.
gnomAD v4.1: 1,012 of 1,608,528 alleles (0.063%); highest among the groups gnomAD compares: African/African-American, 1.2%; 4 homozygotes.

Submission:

GeneDx
Classification: Likely benign. Last evaluated: 2018-06-14. Review status: criteria provided, single submitter. Criteria: GeneDx Variant Classification (06012015). Collection method: clinical testing. Allele origin: germline. Affected: yes.
Comment: This variant is considered likely benign or benign based on one or more of the following criteria: it is a conservative change, it occurs at a poorly conserved position in the protein, it is predicted to be benign by multiple in silico algorithms, and/or has population frequency not consistent with disease.

NM_004612.4(TGFBR1):c.574+50C>T

Gene: TGFBR1 (transforming growth factor beta receptor 1; plus strand). Cytogenetic location: 9q22.33.
Variant type: single nucleotide variant.
Coding change: c.574+50C>T on transcript NM_004612.4 (MANE Select); 50 bases into the intron after coding-DNA position 574, C replaced by T.
Molecular consequence: intron variant.
Genome position (GRCh38, 1-based): chr9:99,132,789, C>T. VCF-style: chr9-99132789-C-T. GRCh37 (hg19) VCF-style: chr9-101895071-C-T.
Other names: c.586+50C>T (NM_001306210.2); c.343+3689C>T (NM_001130916.3).
Identifiers: ClinVar variation 674019 (VCV000674019.1), dbSNP rs11466460, ClinGen allele CA042469.